The following is an entry in ClinVar:

NM_030962.4(SBF2):c.976-248T>C

Gene: SBF2 (SET binding factor 2; minus strand). Cytogenetic location: 11p15.4.
Variant type: single nucleotide variant.
Coding change: c.976-248T>C on transcript NM_030962.4 (MANE Select); 248 bases into the intron before coding-DNA position 976, T replaced by C.
Molecular consequence: intron variant.
Genome position (GRCh38, 1-based): chr11:9,994,246, A>G on the plus strand (T>C on the coding strand, the complement: SBF2 is on the minus strand). VCF-style: chr11-9994246-A-G. GRCh37 (hg19) VCF-style: chr11-10015793-A-G.
Other names: c.976-248T>C (NM_001386342.1, NM_001386339.1).
Identifiers: ClinVar variation 669256 (VCV000669256.1), dbSNP rs11042583, ClinGen allele CA13409363.

ClinVar aggregate classification (germline): Benign (1 of 4 stars; one submission).

Allele frequency attached by ClinVar (database versions not stated): 1000 Genomes Project 0.45907; 1000 Genomes Project 30x 0.45971; gnomAD 0.47284 and 0.47427; TOPMed 0.47457.
gnomAD v4.1: 71,584 of 151,316 alleles (47%); highest among the groups gnomAD compares: Admixed American, 57%; 17,301 homozygotes.

Submission:

GeneDx
Classification: Benign. Last evaluated: 2018-06-14. Review status: criteria provided, single submitter. Criteria: GeneDx Variant Classification (06012015). Collection method: clinical testing. Allele origin: germline. Affected: yes.
Comment: This variant is considered likely benign or benign based on one or more of the following criteria: it is a conservative change, it occurs at a poorly conserved position in the protein, it is predicted to be benign by multiple in silico algorithms, and/or has population frequency not consistent with disease.